The following is an entry in ClinVar:

ClinVar aggregate classification (germline): Likely benign. Review status: criteria provided, multiple submitters, no conflicts (2 of 4 stars). 3 submissions from 3 submitters: Likely benign (3). Last evaluated 2025-01-25.

Submissions (3):

Women's Health and Genetics/Laboratory Corporation of America, LabCorp
Classification: Likely benign. Last evaluated: 2025-01-25. Review status: criteria provided, single submitter. Criteria: LabCorp Variant Classification Summary - May 2015. Collection method: clinical testing. Allele origin: germline.
Comment: Variant summary: MYO5A c.3309+9_3309+12delAACA alters a nucleotide located at a position not widely known to affect splicing. Consensus agreement among computation tools predict no significant impact on normal splicing. However, these predictions have yet to be confirmed by functional studies. The variant allele was found at a frequency of 8e-05 in 238958 control chromosomes. This frequency is not significantly higher than estimated for a pathogenic variant in MYO5A causing Griscelli Syndrome Type 1, allowing no conclusion about variant significance. To our knowledge, no occurrence of c.3309+9_3309+12delAACA in individuals affected with Griscelli Syndrome Type 1 and no experimental evidence demonstrating its impact on protein function have been reported. ClinVar contains an entry for this variant (Variation ID: 2716449). Based on the evidence outlined above, the variant was classified as likely benign.

Labcorp Genetics (formerly Invitae), Labcorp
Classification: Likely benign. Last evaluated: 2024-01-26. Review status: criteria provided, single submitter. Criteria: Invitae Variant Classification Sherloc (09022015). Collection method: clinical testing. Allele origin: germline.

Blueprint Genetics
Classification: Likely benign. Last evaluated: 2023-10-30. Review status: criteria provided, single submitter. Criteria: ACMG Guidelines, 2015. Collection method: clinical testing. Allele origin: germline.

NM_001382347.1(MYO5A):c.3309+9_3309+12del

Gene: MYO5A (myosin VA; minus strand). Cytogenetic location: 15q21.2.
Variant type: Deletion.
Coding change: c.3309+9_3309+12del on transcript NM_001382347.1 (MANE Select); bases 9 to 12 of the intron after coding-DNA position 3309, 4 bases deleted (AACA; older notation c.3309+9_3309+12delAACA).
Molecular consequence: intron variant.
Genome position (GRCh38, 1-based): chr15:52,364,542-52,364,545, TGTT deleted on the plus strand (AACA on the coding strand, the reverse complement: MYO5A is on the minus strand); deleting any 4 consecutive bases within chr15:52,364,542-52,364,547 gives the same sequence; the c. name uses the placement nearest the transcript's 3' end. VCF-style (leftmost placement, unchanged base first): chr15-52364541-GTGTT-G. GRCh37 (hg19) VCF-style: chr15-52656738-GTGTT-G.
Other names: c.3309+9_3309+12del (NM_000259.3, NM_001411135.1, NM_001142495.2); c.3381+9_3381+12del (NM_001382349.1, NM_001382348.1); c.3309+9_3309+12delAACA (NM_000259.3).
Identifiers: ClinVar variation 2716449 (VCV002716449.6), dbSNP rs763291667, ClinGen allele CA7568462.